The following is an entry in ClinVar:

NM_000038.6(APC):c.5854del (p.Gln1952fs)

Gene: APC (APC regulator of Wnt signaling pathway; plus strand). Cytogenetic location: 5q22.2.
Variant type: Deletion.
Coding change: c.5854del on transcript NM_000038.6 (MANE Select); coding-DNA position 5854, one base deleted (C; older notation c.5854delC).
Protein change: p.Gln1952fs; shifts the reading frame from glutamine 1952.
Molecular consequence: frameshift variant.
Genome position (GRCh38, 1-based): chr5:112,841,448, C deleted. VCF-style (leftmost placement, unchanged base first): chr5-112841447-AC-A. GRCh37 (hg19) VCF-style: chr5-112177144-AC-A.
Other names: c.5854del, p.Gln1952fs (NM_001127510.3, NM_001354895.2); c.5800del, p.Gln1934fs (NM_001127511.3); c.5908del, p.Gln1970fs (NM_001354896.2); c.5884del, p.Gln1962fs (NM_001354897.2); c.5779del, p.Gln1927fs (NM_001354898.2); c.5770del, p.Gln1924fs (NM_001354899.2); c.5731del, p.Gln1911fs (NM_001354900.2); c.5677del, p.Gln1893fs (NM_001354901.2); and 16 more; short protein forms Q1669fs, Q1970fs, Q1826fs, Q1861fs, Q1924fs, Q1934fs, Q1792fs, Q1851fs.
Identifiers: ClinVar variation 1750090 (VCV001750090.4), dbSNP rs2533672412, ClinGen allele CA2580072767.
Genomic context (GRCh38, chr5:112,841,447, plus strand): 5'-CACTTTTCCCCAGTCATCCAAAGACATACCAGACAGAGGGGCAGCAACTGATGAAAAGTT[AC>A]AGAATTTTGCTATTGAAAATACTCCGGTTTGCTTTTCTCATAATTCCTCTCTGAGTTCTC-3'

ClinVar aggregate classification (germline): Pathogenic. Review status: criteria provided, multiple submitters, no conflicts (2 of 4 stars). 2 submissions from 2 submitters: Pathogenic (2). Last evaluated 2023-05-15.

Conditions:
Hereditary cancer-predisposing syndrome. Also called: Hereditary Cancer Syndrome; Hereditary neoplastic syndrome; Neoplastic Syndromes, Hereditary; Tumor predisposition. Identifiers: Orphanet 140162, MedGen C0027672, MeSH D009386, MONDO:0015356.
Familial adenomatous polyposis 1 (FAP1). Also called: FAMILIAL ADENOMATOUS POLYPOSIS 1, ATTENUATED; POLYPOSIS, ADENOMATOUS INTESTINAL. Identifiers: MedGen C2713442, MONDO:0021056, OMIM 175100. Disease mechanism: loss of function.

Submissions (2):

Myriad Genetics, Inc.
Classification: Pathogenic for Familial adenomatous polyposis 1. Last evaluated: 2023-05-15. Review status: criteria provided, single submitter. Criteria: Myriad Autosomal Dominant, Autosomal Recessive and X-Linked Classification Criteria (2023). Collection method: clinical testing. Allele origin: unknown.
Comment: This variant is considered pathogenic. This variant creates a frameshift predicted to result in premature protein truncation.

Ambry Genetics
Classification: Pathogenic for Hereditary cancer-predisposing syndrome. Last evaluated: 2022-06-29. Review status: criteria provided, single submitter. Criteria: Ambry Variant Classification Scheme 2023. Collection method: clinical testing. Allele origin: germline.
Comment: The c.5854delC pathogenic mutation, located in coding exon 15 of the APC gene, results from a deletion of one nucleotide at nucleotide position 5854, causing a translational frameshift with a predicted alternate stop codon (p.Q1952Rfs*18). This alteration occurs at the 3' terminus of theAPC gene, is not expected to trigger nonsense-mediated mRNA decay, and impacts the last 875 amino acids of the protein. However, premature stop codons are typically deleterious in nature and a significant portion of the protein is affected (Ambry internal data). Based on the supporting evidence, this alteration is interpreted as a disease-causing mutation.